The following is an entry in ClinVar:

ClinVar aggregate classification (germline): Uncertain significance (1 of 4 stars; one submission).

Allele frequency attached by ClinVar (database versions not stated): gnomAD 0.00001; gnomAD exomes 0.00001; TOPMed 0.00001; ExAC 0.00002.
gnomAD v4.1: 21 of 1,612,618 alleles (0.0013%); highest among the groups gnomAD compares: East Asian, 0.0045%; no homozygotes.

Submission:

Labcorp Genetics (formerly Invitae), Labcorp
Classification: Uncertain significance. Last evaluated: 2025-05-19. Review status: criteria provided, single submitter. Criteria: Invitae Variant Classification Sherloc (09022015). Collection method: clinical testing. Allele origin: germline.
Comment: This sequence change replaces arginine, which is basic and polar, with cysteine, which is neutral and slightly polar, at codon 123 of the PITPNM3 protein (p.Arg123Cys). The frequency data for this variant in the population databases is considered unreliable, as metrics indicate poor data quality at this position in the gnomAD database. This variant has not been reported in the literature in individuals affected with PITPNM3-related conditions. ClinVar contains an entry for this variant (Variation ID: 1017734). Invitae Evidence Modeling of protein sequence and biophysical properties (such as structural, functional, and spatial information, amino acid conservation, physicochemical variation, residue mobility, and thermodynamic stability) indicates that this missense variant is not expected to disrupt PITPNM3 protein function with a negative predictive value of 80%. In summary, the available evidence is currently insufficient to determine the role of this variant in disease. Therefore, it has been classified as a Variant of Uncertain Significance.

NM_031220.4(PITPNM3):c.367C>T (p.Arg123Cys)

Gene: PITPNM3 (PITPNM family member 3; minus strand). Cytogenetic location: 17p13.2.
Variant type: single nucleotide variant.
Coding change: c.367C>T on transcript NM_031220.4 (MANE Select); coding-DNA position 367, C replaced by T.
Protein change: p.Arg123Cys; replaces arginine 123 with cysteine.
Molecular consequence: missense variant.
Genome position (GRCh38, 1-based): chr17:6,483,737, G>A on the plus strand (C>T on the coding strand, the complement: PITPNM3 is on the minus strand). VCF-style: chr17-6483737-G-A. GRCh37 (hg19) VCF-style: chr17-6387057-G-A.
Other names: c.259C>T, p.Arg87Cys (NM_001165966.2); short protein forms R123C, R87C.
Identifiers: ClinVar variation 1017734 (VCV001017734.8), dbSNP rs769406441, ClinGen allele CA8329838.
Genomic context (GRCh38, chr17:6,483,737, plus strand): 5'-CCGTGTCCAGGATGTTTCCCCCATGCAGGACCAGCAGGAGGACATGTGTCTTGCAGGAGC[G>A]CTGCGGGCAGCCTTCCTGAGAGCCAAGGCGGTTGGAATACAGAGAGAGAGGCGGCTGGGG-3'
Protein context (NP_112497.2, residues 113-133): HEDSEEGCPQ[Arg123Cys]SCKTHVLLLV